The following is an entry in ClinVar:

ClinVar aggregate classification (germline): Uncertain significance (1 of 4 stars; one submission).

Submission:

Labcorp Genetics (formerly Invitae), Labcorp
Classification: Uncertain significance. Last evaluated: 2024-11-18. Review status: criteria provided, single submitter. Criteria: Invitae Variant Classification Sherloc (09022015). Collection method: clinical testing. Allele origin: germline.
Comment: This sequence change falls in intron 20 of the INSR gene. It does not directly change the encoded amino acid sequence of the INSR protein. It affects a nucleotide within the consensus splice site. This variant is not present in population databases (gnomAD no frequency). This variant has not been reported in the literature in individuals affected with INSR-related conditions. Variants that disrupt the consensus splice site are a relatively common cause of aberrant splicing (PMID: 17576681, 9536098). Algorithms developed to predict the effect of sequence changes on RNA splicing suggest that this variant may disrupt the consensus splice site. In summary, the available evidence is currently insufficient to determine the role of this variant in disease. Therefore, it has been classified as a Variant of Uncertain Significance.

Literature cited by the submitters: PubMed 17576681; PubMed 9536098.

NM_000208.4(INSR):c.3659+5G>T

Gene: INSR (insulin receptor; minus strand). Cytogenetic location: 19p13.2.
Variant type: single nucleotide variant.
Coding change: c.3659+5G>T on transcript NM_000208.4 (MANE Select); 5 bases into the intron after coding-DNA position 3659, G replaced by T.
Molecular consequence: intron variant.
Genome position (GRCh38, 1-based): chr19:7,120,615, C>A on the plus strand (G>T on the coding strand, the complement: INSR is on the minus strand). VCF-style: chr19-7120615-C-A. GRCh37 (hg19) VCF-style: chr19-7120626-C-A.
Other names: c.3623+5G>T (NM_001079817.3).
Identifiers: ClinVar variation 3725465 (VCV003725465.2).
Genomic context (GRCh38, chr19:7,120,615, plus strand): 5'-CTTGGCTCTCACTAGCACCTGGAATTCAAGCCCAGCGTCCATCCACCCATCCACACACAA[C>A]TCACCACATGTCAGAAGAAGTGGTGAAGACCCCATCCTTCAGGGACTCCGGTGCCATCCA-3'